The following is an entry in ClinVar:

NM_001367624.2(ZNF469):c.8306A>C (p.Glu2769Ala)

Gene: ZNF469 (zinc finger protein 469; plus strand). Cytogenetic location: 16q24.2.
Variant type: single nucleotide variant.
Coding change: c.8306A>C on transcript NM_001367624.2 (MANE Select); coding-DNA position 8306, A replaced by C.
Protein change: p.Glu2769Ala; replaces glutamic acid 2769 with alanine.
Molecular consequence: missense variant.
Genome position (GRCh38, 1-based): chr16:88,435,776, A>C. VCF-style: chr16-88435776-A-C. GRCh37 (hg19) VCF-style: chr16-88502184-A-C.
Other names: NM_001127464.1:c.8222A>C; short protein forms E2769A.
Identifiers: ClinVar variation 5032240 (VCV005032240.1).

ClinVar aggregate classification (germline): Uncertain significance (1 of 4 stars; one submission).

Conditions:
Cardiovascular phenotype. Identifiers: MedGen CN230736.

gnomAD v4.1: 4 of 1,550,696 alleles (0.00026%); highest among the groups gnomAD compares: Middle Eastern, 0.067%; no homozygotes.

Submission:

Ambry Genetics
Classification: Uncertain significance for Cardiovascular phenotype. Last evaluated: 2026-07-31. Review status: criteria provided, single submitter. Criteria: Ambry Variant Classification Scheme 2023. Collection method: clinical testing. Allele origin: germline.
Comment: The p.E2741A variant (also known as c.8222A>C), located in coding exon 2 of the ZNF469 gene, results from an A to C substitution at nucleotide position 8222. The glutamic acid at codon 2741 is replaced by alanine, an amino acid with dissimilar properties. This amino acid position is conserved. In addition, this alteration is predicted to be tolerated by in silico analysis. Based on the available evidence, the clinical significance of this variant remains unclear.